The following is an entry in ClinVar:

NM_133433.4(NIPBL):c.7357A>G (p.Ile2453Val)

Gene: NIPBL (NIPBL cohesin loading factor; plus strand). Cytogenetic location: 5p13.2.
Variant type: single nucleotide variant.
Coding change: c.7357A>G on transcript NM_133433.4 (MANE Select); coding-DNA position 7357, A replaced by G.
Protein change: p.Ile2453Val; replaces isoleucine 2453 with valine.
Molecular consequence: missense variant.
Genome position (GRCh38, 1-based): chr5:37,057,279, A>G. VCF-style: chr5-37057279-A-G. GRCh37 (hg19) VCF-style: chr5-37057381-A-G.
Other names: c.7357A>G, p.Ile2453Val (NM_015384.5); short protein forms I2453V.
Identifiers: ClinVar variation 1758477 (VCV001758477.5), dbSNP rs1561222655, ClinGen allele CA359514377.

ClinVar aggregate classification (germline): Conflicting classifications of pathogenicity. Review status: criteria provided, conflicting classifications (1 of 4 stars). 2 submissions from 2 submitters: Uncertain significance (1); Likely benign (1). Last evaluated 2024-05-19.

Conditions:
Inborn genetic diseases. Identifiers: MedGen C0950123, MeSH D030342.
Cornelia de Lange syndrome 1 (CDLS1). Also called: TYPUS DEGENERATIVUS AMSTELODAMENSIS; Brachmann de Lange syndrome; NIPBL-Related Cornelia de Lange Syndrome. Identifiers: Orphanet 199, MedGen C4551851, MONDO:0007387, OMIM 122470.

Allele frequency attached by ClinVar (database versions not stated): gnomAD exomes below 0.00001.
gnomAD v4.1: 2 of 1,613,898 alleles (0.00012%); highest among the groups gnomAD compares: Non-Finnish European, 0.00017%; no homozygotes.

Submissions (2):

Labcorp Genetics (formerly Invitae), Labcorp
Classification: Uncertain significance for Cornelia de Lange syndrome 1. Last evaluated: 2024-05-19. Review status: criteria provided, single submitter. Criteria: Invitae Variant Classification Sherloc (09022015). Collection method: clinical testing. Allele origin: germline.
Comment: This sequence change replaces isoleucine, which is neutral and non-polar, with valine, which is neutral and non-polar, at codon 2453 of the NIPBL protein (p.Ile2453Val). This variant is not present in population databases (gnomAD no frequency). This variant has not been reported in the literature in individuals affected with NIPBL-related conditions. ClinVar contains an entry for this variant (Variation ID: 1758477). Advanced modeling of protein sequence and biophysical properties (such as structural, functional, and spatial information, amino acid conservation, physicochemical variation, residue mobility, and thermodynamic stability) has been performed at Invitae for this missense variant, however the output from this modeling did not meet the statistical confidence thresholds required to predict the impact of this variant on NIPBL protein function. In summary, the available evidence is currently insufficient to determine the role of this variant in disease. Therefore, it has been classified as a Variant of Uncertain Significance.

Ambry Genetics
Classification: Likely benign for Inborn genetic diseases. Last evaluated: 2017-09-29. Review status: criteria provided, single submitter. Criteria: Ambry Variant Classification Scheme 2023. Collection method: clinical testing. Allele origin: germline.